The following is an entry in ClinVar:

ClinVar aggregate classification (germline): Uncertain significance (1 of 4 stars; one submission).

Submission:

GeneDx
Classification: Uncertain significance. Last evaluated: 2025-09-10. Review status: criteria provided, single submitter. Criteria: GeneDx Variant Classification Process June 2021. Collection method: clinical testing. Allele origin: germline.
Comment: Not observed at significant frequency in large population cohorts (gnomAD); In silico analysis suggests that this missense variant does not alter protein structure/function; Has not been previously published as pathogenic or benign to our knowledge

NM_015570.4(AUTS2):c.886A>G (p.Lys296Glu)

Gene: AUTS2 (activator of transcription and developmental regulator AUTS2; plus strand). Cytogenetic location: 7q11.22.
Variant type: single nucleotide variant.
Coding change: c.886A>G on transcript NM_015570.4 (MANE Select); coding-DNA position 886, A replaced by G.
Protein change: p.Lys296Glu; replaces lysine 296 with glutamic acid.
Molecular consequence: missense variant.
Genome position (GRCh38, 1-based): chr7:70,763,013, A>G. VCF-style: chr7-70763013-A-G. GRCh37 (hg19) VCF-style: chr7-70227999-A-G.
Other names: c.886A>G, p.Lys296Glu (NM_001127231.3); short protein forms K296E.
Identifiers: ClinVar variation 3359877 (VCV003359877.2).